The following is an entry in ClinVar:

ClinVar aggregate classification (germline): Likely benign. Review status: criteria provided, multiple submitters, no conflicts (2 of 4 stars). 3 submissions from 3 submitters: Likely benign (3). Last evaluated 2025-04-23.

Conditions:
CASQ1-related disorder. Also called: CASQ1-related condition.

Allele frequency attached by ClinVar (database versions not stated): gnomAD 0.00005; gnomAD exomes 0.00005; 1000 Genomes Project 30x 0.00016; 1000 Genomes Project 0.00020.
gnomAD v4.1: 81 of 1,611,892 alleles (0.005%); highest among the groups gnomAD compares: Admixed American, 0.0067%; no homozygotes.

Submissions (3):

PreventionGenetics, part of Exact Sciences
Classification: Likely benign for CASQ1-related condition. Last evaluated: 2025-04-23. Review status: criteria provided, single submitter. Criteria: ACMG Guidelines, 2015. Collection method: clinical testing. Allele origin: germline.
Comment: This variant is classified as likely benign based on ACMG/AMP sequence variant interpretation guidelines (Richards et al. 2015 PMID: 25741868, with internal and published modifications).

Blueprint Genetics
Classification: Likely benign. Last evaluated: 2024-07-24. Review status: criteria provided, single submitter. Criteria: ACMG Guidelines, 2015. Collection method: clinical testing. Allele origin: germline.

Labcorp Genetics (formerly Invitae), Labcorp
Classification: Likely benign. Last evaluated: 2024-02-24. Review status: criteria provided, single submitter. Criteria: Invitae Variant Classification Sherloc (09022015). Collection method: clinical testing. Allele origin: germline.

NM_001231.5(CASQ1):c.453G>A (p.Glu151=)

Gene: CASQ1 (calsequestrin 1; plus strand). Cytogenetic location: 1q23.2.
Variant type: single nucleotide variant.
Coding change: c.453G>A on transcript NM_001231.5 (MANE Select); coding-DNA position 453, G replaced by A.
Protein change: p.Glu151=; no amino-acid change (glutamic acid 151 retained).
Molecular consequence: synonymous variant.
Genome position (GRCh38, 1-based): chr1:160,193,835, G>A. VCF-style: chr1-160193835-G-A. GRCh37 (hg19) VCF-style: chr1-160163625-G-A.
Other names: c.453G>A (NM_001231.4).
Identifiers: ClinVar variation 1591316 (VCV001591316.10), dbSNP rs147525066, ClinGen allele CA1196189.